The following is an entry in ClinVar:

NM_007055.4(POLR3A):c.3487G>A (p.Gly1163Ser)

Gene: POLR3A (RNA polymerase III subunit A; minus strand). Cytogenetic location: 10q22.3.
Variant type: single nucleotide variant.
Coding change: c.3487G>A on transcript NM_007055.4 (MANE Select); coding-DNA position 3487, G replaced by A.
Protein change: p.Gly1163Ser; replaces glycine 1163 with serine.
Molecular consequence: missense variant.
Genome position (GRCh38, 1-based): chr10:77,982,760, C>T on the plus strand (G>A on the coding strand, the complement: POLR3A is on the minus strand). VCF-style: chr10-77982760-C-T. GRCh37 (hg19) VCF-style: chr10-79742518-C-T.
Other names: p.Gly1163Ser; short protein forms G1163S.
Identifiers: ClinVar variation 1365123 (VCV001365123.7), dbSNP rs746562221, ClinGen allele CA5570811.
Genomic context (GRCh38, chr10:77,982,760, plus strand): 5'-TCTTGCTGTTCTCTCTGGGGGTGACACACACCACAGCCTCACCATGAACAGCCACATCAC[C>T]GGGCTTCACACGGAGCTTGGATGTGCAGATGGAATATCTCACTGTCTCAGCGTTCACCTG-3'
Protein context (NP_008986.2, residues 1153-1173): ICTSKLRVKP[Gly1163Ser]DVAVHGEAVV

ClinVar aggregate classification (germline): Uncertain significance. Review status: criteria provided, multiple submitters, no conflicts (2 of 4 stars). 3 submissions from 3 submitters: Uncertain significance (3). Last evaluated 2024-10-16.

Allele frequency attached by ClinVar (database versions not stated): gnomAD 0.00009; TOPMed 0.00010; ExAC 0.00011; gnomAD exomes 0.00012.
gnomAD v4.1: 120 of 1,613,828 alleles (0.0074%); highest among the groups gnomAD compares: South Asian, 0.036%; no homozygotes.

Submissions (3):

Blueprint Genetics
Classification: Uncertain significance. Last evaluated: 2024-10-16. Review status: criteria provided, single submitter. Criteria: ACMG Guidelines, 2015. Collection method: clinical testing. Allele origin: germline.

Mayo Clinic Laboratories, Mayo Clinic
Classification: Uncertain significance. Last evaluated: 2024-04-09. Review status: criteria provided, single submitter. Criteria: ACMG Guidelines, 2015. Collection method: clinical testing. Allele origin: germline. Observed: 1 variant allele.
Comment: PM2_moderate

Labcorp Genetics (formerly Invitae), Labcorp
Classification: Uncertain significance. Last evaluated: 2022-07-27. Review status: criteria provided, single submitter. Criteria: Invitae Variant Classification Sherloc (09022015). Collection method: clinical testing. Allele origin: germline.
Comment: This sequence change replaces glycine, which is neutral and non-polar, with serine, which is neutral and polar, at codon 1163 of the POLR3A protein (p.Gly1163Ser). This variant is present in population databases (rs746562221, gnomAD 0.05%). This variant has not been reported in the literature in individuals affected with POLR3A-related conditions. ClinVar contains an entry for this variant (Variation ID: 1365123). Algorithms developed to predict the effect of missense changes on protein structure and function (SIFT, PolyPhen-2, Align-GVGD) all suggest that this variant is likely to be tolerated. In summary, the available evidence is currently insufficient to determine the role of this variant in disease. Therefore, it has been classified as a Variant of Uncertain Significance.